The following is an entry in ClinVar:

NM_000541.5(SAG):c.945-6G>A

Gene: SAG (S-antigen visual arrestin; plus strand). Cytogenetic location: 2q37.1.
Variant type: single nucleotide variant.
Coding change: c.945-6G>A on transcript NM_000541.5 (MANE Select); 6 bases into the intron before coding-DNA position 945, G replaced by A.
Molecular consequence: intron variant.
Genome position (GRCh38, 1-based): chr2:233,338,670, G>A. VCF-style: chr2-233338670-G-A. GRCh37 (hg19) VCF-style: chr2-234247316-G-A.
Identifiers: ClinVar variation 2805937 (VCV002805937.3), dbSNP rs768503847, ClinGen allele CA2174597.

ClinVar aggregate classification (germline): Uncertain significance (1 of 4 stars; one submission).

Allele frequency attached by ClinVar (database versions not stated): ExAC 0.00001; gnomAD exomes 0.00001.
gnomAD v4.1: 18 of 1,612,788 alleles (0.0011%); highest among the groups gnomAD compares: Non-Finnish European, 0.0015%; no homozygotes.

Submission:

Labcorp Genetics (formerly Invitae), Labcorp
Classification: Uncertain significance. Last evaluated: 2023-03-23. Review status: criteria provided, single submitter. Criteria: Invitae Variant Classification Sherloc (09022015). Collection method: clinical testing. Allele origin: germline.
Comment: In summary, the available evidence is currently insufficient to determine the role of this variant in disease. Therefore, it has been classified as a Variant of Uncertain Significance. Algorithms developed to predict the effect of sequence changes on RNA splicing suggest that this variant may disrupt the consensus splice site. This variant has not been reported in the literature in individuals affected with SAG-related conditions. This variant is present in population databases (rs768503847, gnomAD 0.003%). This sequence change falls in intron 11 of the SAG gene. It does not directly change the encoded amino acid sequence of the SAG protein.